The following is an entry in ClinVar:

NM_018972.4(GDAP1):c.302T>A (p.Phe101Tyr)

Gene: GDAP1 (ganglioside induced differentiation associated protein 1; plus strand). Cytogenetic location: 8q21.11.
Variant type: single nucleotide variant.
Coding change: c.302T>A on transcript NM_018972.4 (MANE Select); coding-DNA position 302, T replaced by A.
Protein change: p.Phe101Tyr; replaces phenylalanine 101 with tyrosine.
Molecular consequence: missense variant. On other transcripts: intron variant (2).
Genome position (GRCh38, 1-based): chr8:74,351,458, T>A. VCF-style: chr8-74351458-T-A. GRCh37 (hg19) VCF-style: chr8-75263693-T-A.
Other names: c.98T>A, p.Phe33Tyr (NM_001040875.4); c.302T>A, p.Phe101Tyr (NM_001362930.2, NM_001362931.2); c.-18+137T>A (NM_001362929.2); c.-18+880T>A (NM_001362932.2); short protein forms F33Y, F101Y.
Identifiers: ClinVar variation 961178 (VCV000961178.9), dbSNP rs1808871960, ClinGen allele CA371499646.

ClinVar aggregate classification (germline): Uncertain significance (1 of 4 stars; one submission).

Conditions:
Charcot-Marie-Tooth disease type 4A. Also called: Charcot-Marie-Tooth disease, demyelinating, autosomal recessive, type 4a. Identifiers: Orphanet 99948, MedGen C1859198, MONDO:0008961, OMIM 214400.

Submission:

Labcorp Genetics (formerly Invitae), Labcorp
Classification: Uncertain significance for Charcot-Marie-Tooth disease type 4A. Last evaluated: 2022-12-02. Review status: criteria provided, single submitter. Criteria: Invitae Variant Classification Sherloc (09022015). Collection method: clinical testing. Allele origin: germline.
Comment: This variant has not been reported in the literature in individuals affected with GDAP1-related conditions. This variant is not present in population databases (gnomAD no frequency). This sequence change replaces phenylalanine, which is neutral and non-polar, with tyrosine, which is neutral and polar, at codon 101 of the GDAP1 protein (p.Phe101Tyr). ClinVar contains an entry for this variant (Variation ID: 961178). Algorithms developed to predict the effect of missense changes on protein structure and function (SIFT, PolyPhen-2, Align-GVGD) all suggest that this variant is likely to be tolerated. In summary, the available evidence is currently insufficient to determine the role of this variant in disease. Therefore, it has been classified as a Variant of Uncertain Significance.